The following is an entry in ClinVar:

NM_001267550.2(TTN):c.62280T>C (p.Val20760=)

Genes: TTN (titin; minus strand), TTN-AS1 (TTN antisense RNA 1; plus strand). Cytogenetic location: 2q31.2.
Variant type: single nucleotide variant.
Coding change: c.62280T>C on transcript NM_001267550.2 (MANE Select); coding-DNA position 62280, T replaced by C.
Protein change: p.Val20760=; no amino-acid change (valine 20760 retained).
Molecular consequence: synonymous variant.
Genome position (GRCh38, 1-based): chr2:178,589,445, A>G on the plus strand (T>C on the coding strand, the complement: TTN is on the minus strand). VCF-style: chr2-178589445-A-G. GRCh37 (hg19) VCF-style: chr2-179454172-A-G.
Other names: p.Val19119=; c.57357T>C, p.Val19119= (NM_001256850.1); c.35085T>C, p.Val11695= (NM_003319.4); c.54576T>C, p.Val18192= (NM_133378.4); c.35460T>C, p.Val11820= (NM_133432.3); c.35661T>C, p.Val11887= (NM_133437.4).
Identifiers: ClinVar variation 195921 (VCV000195921.59), dbSNP rs372065796, ClinGen allele CA242608.

ClinVar aggregate classification (germline): Conflicting classifications of pathogenicity. Review status: criteria provided, conflicting classifications (1 of 4 stars). 19 submissions from 15 submitters: Uncertain significance (4); Benign (2); Likely benign (8). 5 of the submissions do not count toward it. Last evaluated 2026-03-01.

Conditions:
TTN-related disorder. Also called: TTN-related condition; TTN-related disease; TTN-related disorders.
Cardiovascular phenotype. Identifiers: MedGen CN230736.
Autosomal recessive limb-girdle muscular dystrophy type 2J (LGMDR10). Also called: Limb-girdle muscular dystrophy, type 2J; MUSCULAR DYSTROPHY, LIMB-GIRDLE, AUTOSOMAL RECESSIVE 10. Identifiers: Orphanet 140922, MedGen C1837342, MONDO:0012127, OMIM 608807.
Dilated cardiomyopathy 1G (CMD1G). Identifiers: Orphanet 154, MedGen C1858763, MONDO:0011400, OMIM 604145.
Early-onset myopathy with fatal cardiomyopathy (CMYO5). Also called: Salih Myopathy; CONGENITAL MYOPATHY 5 WITH CARDIOMYOPATHY. Identifiers: Orphanet 289377, MedGen C2673677, MONDO:0012714, OMIM 611705. Disease mechanism: loss of function.
Tibial muscular dystrophy (TMD). Also called: Tibial muscular dystrophy, tardive; UDD MYOPATHY; Udd Distal Myopathy – Tibial Muscular Dystrophy. Identifiers: Orphanet 609, MedGen C1838244, MONDO:0010870, OMIM 600334.
Myopathy, myofibrillar, 9, with early respiratory failure (MFM9). Also called: EDSTROM MYOPATHY; MYOPATHY, PROXIMAL, WITH EARLY RESPIRATORY MUSCLE INVOLVEMENT; Myopathy, distal, with early respiratory failure, autosomal dominant; Hereditary myopathy with early respiratory failure. Identifiers: Orphanet 178464, Orphanet 34521, MedGen C1863599, MONDO:0011362, OMIM 603689.

Allele frequency attached by ClinVar (database versions not stated): TOPMed 0.00015; ExAC 0.00017; ESP Exome Variant Server 0.00017; gnomAD 0.00019 and 0.00021; gnomAD exomes 0.00019 and 0.00032.
gnomAD v4.1: 493 of 1,613,246 alleles (0.031%); highest among the groups gnomAD compares: Non-Finnish European, 0.039%; no homozygotes.

Submissions (19):

CeGaT Center for Human Genetics Tuebingen
Classification: Likely benign. Last evaluated: 2026-03-01. Review status: criteria provided, single submitter. Criteria: CeGaT Center For Human Genetics Tuebingen Variant Classification Criteria Version 2. Collection method: clinical testing. Allele origin: germline. Affected: yes. Observed: 5 variant alleles.
Comment: TTN: BP4, BP7

Labcorp Genetics (formerly Invitae), Labcorp
Classification: Likely benign for Dilated cardiomyopathy 1G; Autosomal recessive limb-girdle muscular dystrophy type 2J. Last evaluated: 2026-01-25. Review status: criteria provided, single submitter. Criteria: Invitae Variant Classification Sherloc (09022015). Collection method: clinical testing. Allele origin: germline.

Mayo Clinic Laboratories, Mayo Clinic
Classification: Likely benign. Last evaluated: 2025-06-26. Review status: criteria provided, single submitter. Criteria: ACMG Guidelines, 2015. Collection method: clinical testing. Allele origin: germline. Observed: 4 variant alleles.
Comment: BP4, BP7

Molecular Diagnostic Laboratory for Inherited Cardiovascular Disease, Montreal Heart Institute
Classification: Likely benign. Last evaluated: 2025-04-09. Review status: criteria provided, single submitter. Criteria: ACMG Guidelines, 2015. Collection method: clinical testing. Allele origin: germline. Affected: no.

Blueprint Genetics
Classification: Likely benign. Last evaluated: 2024-04-26. Review status: criteria provided, single submitter. Criteria: ACMG Guidelines, 2015. Collection method: clinical testing. Allele origin: germline.

Women's Health and Genetics/Laboratory Corporation of America, LabCorp
Classification: Likely benign. Last evaluated: 2024-03-12. Review status: criteria provided, single submitter. Criteria: LabCorp Variant Classification Summary - May 2015. Collection method: clinical testing. Allele origin: germline.

GeneDx
Classification: Likely benign. Last evaluated: 2021-02-15. Review status: criteria provided, single submitter. Criteria: GeneDx Variant Classification Process June 2021. Collection method: clinical testing. Allele origin: germline. Affected: yes.

Illumina Laboratory Services, Illumina
Classification: Uncertain significance for Early-onset myopathy with fatal cardiomyopathy. Last evaluated: 2018-01-13. Review status: criteria provided, single submitter. Criteria: ICSL Variant Classification Criteria 13 December 2019. Collection method: clinical testing. Allele origin: germline.

Illumina Laboratory Services, Illumina
Classification: Uncertain significance for Dilated cardiomyopathy 1G. Last evaluated: 2018-01-13. Review status: criteria provided, single submitter. Criteria: ICSL Variant Classification Criteria 13 December 2019. Collection method: clinical testing. Allele origin: germline.

Illumina Laboratory Services, Illumina
Classification: Benign for Tibial muscular dystrophy. Last evaluated: 2018-01-13. Review status: criteria provided, single submitter. Criteria: ICSL Variant Classification Criteria 13 December 2019. Collection method: clinical testing. Allele origin: germline.
Comment: This variant was observed in the ICSL laboratory as part of a predisposition screen in an ostensibly healthy population. It had not been previously curated by ICSL or reported in the Human Gene Mutation Database (HGMD: prior to June 1st, 2018), and was therefore a candidate for classification through an automated scoring system. Utilizing variant allele frequency, disease prevalence and penetrance estimates, and inheritance mode, an automated score was calculated to assess if this variant is too frequent to cause the disease. Based on the score and internal cut-off values, a variant classified as benign is not then subjected to further curation. The score for this variant resulted in a classification of benign for this disease.

Illumina Laboratory Services, Illumina
Classification: Benign for Myopathy, myofibrillar, 9, with early respiratory failure. Last evaluated: 2018-01-13. Review status: criteria provided, single submitter. Criteria: ICSL Variant Classification Criteria 13 December 2019. Collection method: clinical testing. Allele origin: germline.
Comment: the same text as in the submission from Illumina Laboratory Services, Illumina above.

Illumina Laboratory Services, Illumina
Classification: Uncertain significance for Autosomal recessive limb-girdle muscular dystrophy type 2J. Last evaluated: 2018-01-13. Review status: criteria provided, single submitter. Criteria: ICSL Variant Classification Criteria 13 December 2019. Collection method: clinical testing. Allele origin: germline.

Eurofins Ntd Llc (ga)
Classification: Uncertain significance. Last evaluated: 2017-08-22. Review status: criteria provided, single submitter. Criteria: EGL Classification Definitions 2015. Collection method: clinical testing. Allele origin: germline. Observed: 2 variant alleles, 2 heterozygotes.

Ambry Genetics
Classification: Likely benign for Cardiovascular phenotype. Last evaluated: 2013-11-15. Review status: criteria provided, single submitter. Criteria: Ambry Autosomal Dominant and X-Linked criteria (10/2015). Collection method: clinical testing. Allele origin: germline. Observed: 1 variant allele.

PreventionGenetics, part of Exact Sciences
Classification: Likely benign for TTN-related condition. Last evaluated: 2024-04-02. Review status: no assertion criteria provided. Collection method: clinical testing. Allele origin: germline. Not counted in ClinVar's aggregate classification.
Comment: This variant is classified as likely benign based on ACMG/AMP sequence variant interpretation guidelines (Richards et al. 2015 PMID: 25741868, with internal and published modifications).

Clinical Genetics DNA and cytogenetics Diagnostics Lab, Erasmus MC, Erasmus Medical Center
Classification: Likely benign. Review status: no assertion criteria provided. Collection method: clinical testing. Allele origin: germline. Affected: yes. Study: VKGL Data-share Consensus. Not counted in ClinVar's aggregate classification.

Clinical Genetics, Academic Medical Center
Classification: Benign. Review status: no assertion criteria provided. Collection method: clinical testing. Allele origin: germline. Affected: yes. Study: VKGL Data-share Consensus. Not counted in ClinVar's aggregate classification.

Genome Diagnostics Laboratory, University Medical Center Utrecht
Classification: Likely benign. Review status: no assertion criteria provided. Collection method: clinical testing. Allele origin: germline. Affected: yes. Study: VKGL Data-share Consensus. Not counted in ClinVar's aggregate classification.

Joint Genome Diagnostic Labs from Nijmegen and Maastricht, Radboudumc and MUMC+
Classification: Likely benign. Review status: no assertion criteria provided. Collection method: clinical testing. Allele origin: germline. Affected: yes. Study: VKGL Data-share Consensus. Not counted in ClinVar's aggregate classification.